The following is an entry in ClinVar:

ClinVar aggregate classification (germline): Uncertain significance (1 of 4 stars; one submission).

Allele frequency attached by ClinVar (database versions not stated): gnomAD 0.00001; gnomAD exomes 0.00001 and 0.00002; ExAC 0.00002; TOPMed 0.00002.
gnomAD v4.1: 26 of 1,613,932 alleles (0.0016%); highest among the groups gnomAD compares: Admixed American, 0.005%; no homozygotes.

Submission:

Labcorp Genetics (formerly Invitae), Labcorp
Classification: Uncertain significance. Last evaluated: 2021-12-02. Review status: criteria provided, single submitter. Criteria: Invitae Variant Classification Sherloc (09022015). Collection method: clinical testing. Allele origin: germline.
Comment: This sequence change affects codon 254 of the SPART mRNA. It is a 'silent' change, meaning that it does not change the encoded amino acid sequence of the SPART protein. This variant is present in population databases (rs760191322, gnomAD 0.006%). This variant has not been reported in the literature in individuals affected with SPART-related conditions. Algorithms developed to predict the effect of sequence changes on RNA splicing suggest that this variant may create or strengthen a splice site. In summary, the available evidence is currently insufficient to determine the role of this variant in disease. Therefore, it has been classified as a Variant of Uncertain Significance.

NM_015087.5(SPART):c.762G>A (p.Leu254=)

Gene: SPART (spartin; minus strand). Cytogenetic location: 13q13.3.
Variant type: single nucleotide variant.
Coding change: c.762G>A on transcript NM_015087.5 (MANE Select); coding-DNA position 762, G replaced by A.
Protein change: p.Leu254=; no amino-acid change (leucine 254 retained).
Molecular consequence: synonymous variant.
Genome position (GRCh38, 1-based): chr13:36,335,069, C>T on the plus strand (G>A on the coding strand, the complement: SPART is on the minus strand). VCF-style: chr13-36335069-C-T. GRCh37 (hg19) VCF-style: chr13-36909206-C-T.
Other names: c.762G>A, p.Leu254= (NM_001142294.2, NM_001142295.2, NM_001142296.2).
Identifiers: ClinVar variation 1406106 (VCV001406106.1), dbSNP rs760191322, ClinGen allele CA6949581.